The following is an entry in ClinVar:

ClinVar aggregate classification (germline): Conflicting classifications of pathogenicity. Review status: criteria provided, conflicting classifications (1 of 4 stars). 5 submissions from 5 submitters: Uncertain significance (4); Likely benign (1). Last evaluated 2024-09-14.

Conditions:
MYLK-related disorder. Also called: MYLK-related condition.
Aortic aneurysm, familial thoracic 7 (AAT7). Also called: AORTIC DISSECTION, FAMILIAL, WITH OR WITHOUT AORTIC ANEURYSM. Identifiers: MedGen C3151077, MONDO:0013418, OMIM 613780.
Familial thoracic aortic aneurysm and aortic dissection (TAAD). Also called: Thoracic aortic aneurysms and dissections. Identifiers: Orphanet 91387, MedGen C4707243, MONDO:0019625.

Allele frequency attached by ClinVar (database versions not stated): gnomAD 0.00001 and 0.00003; TOPMed 0.00001; gnomAD exomes 0.00006; ExAC 0.00007; 1000 Genomes Project 30x 0.00047; 1000 Genomes Project 0.00060.
gnomAD v4.1: 33 of 1,614,104 alleles (0.002%); highest among the groups gnomAD compares: South Asian, 0.023%; no homozygotes.

Submissions (5):

Labcorp Genetics (formerly Invitae), Labcorp
Classification: Uncertain significance for Aortic aneurysm, familial thoracic 7. Last evaluated: 2024-09-14. Review status: criteria provided, single submitter. Criteria: Invitae Variant Classification Sherloc (09022015). Collection method: clinical testing. Allele origin: germline.
Comment: This sequence change replaces arginine, which is basic and polar, with cysteine, which is neutral and slightly polar, at codon 206 of the MYLK protein (p.Arg206Cys). This variant is present in population databases (rs557873884, gnomAD 0.03%). This variant has not been reported in the literature in individuals affected with MYLK-related conditions. ClinVar contains an entry for this variant (Variation ID: 1210975). Invitae Evidence Modeling of protein sequence and biophysical properties (such as structural, functional, and spatial information, amino acid conservation, physicochemical variation, residue mobility, and thermodynamic stability) indicates that this missense variant is not expected to disrupt MYLK protein function with a negative predictive value of 95%. In summary, the available evidence is currently insufficient to determine the role of this variant in disease. Therefore, it has been classified as a Variant of Uncertain Significance.

Women's Health and Genetics/Laboratory Corporation of America, LabCorp
Classification: Likely benign. Last evaluated: 2024-03-31. Review status: criteria provided, single submitter. Criteria: LabCorp Variant Classification Summary - May 2015. Collection method: clinical testing. Allele origin: germline.

GeneDx
Classification: Uncertain significance. Last evaluated: 2024-01-07. Review status: criteria provided, single submitter. Criteria: GeneDx Variant Classification Process June 2021. Collection method: clinical testing. Allele origin: germline. Affected: yes.
Comment: Has not been previously published as pathogenic or benign to our knowledge; In silico analysis supports that this missense variant has a deleterious effect on protein structure/function

PreventionGenetics, part of Exact Sciences
Classification: Uncertain significance for MYLK-related condition. Last evaluated: 2023-01-23. Review status: criteria provided, single submitter. Criteria: ACMG Guidelines, 2015. Collection method: clinical testing. Allele origin: germline.
Comment: The MYLK c.616C>T variant is predicted to result in the amino acid substitution p.Arg206Cys. To our knowledge, this variant has not been reported in the literature. This variant is reported in 0.026% of alleles in individuals of South Asian descent in gnomAD. At this time, the clinical significance of this variant is uncertain due to the absence of conclusive functional and genetic evidence.

Ambry Genetics
Classification: Uncertain significance for Familial thoracic aortic aneurysm and aortic dissection. Last evaluated: 2021-03-30. Review status: criteria provided, single submitter. Criteria: Ambry Variant Classification Scheme 2023. Collection method: clinical testing. Allele origin: germline.
Comment: The p.R206C variant (also known as c.616C>T), located in coding exon 5 of the MYLK gene, results from a C to T substitution at nucleotide position 616. The arginine at codon 206 is replaced by cysteine, an amino acid with highly dissimilar properties. This amino acid position is highly conserved in available vertebrate species. In addition, the in silico prediction for this alteration is inconclusive. Since supporting evidence is limited at this time, the clinical significance of this alteration remains unclear.

NM_053025.4(MYLK):c.616C>T (p.Arg206Cys)

Gene: MYLK (myosin light chain kinase; minus strand). Cytogenetic location: 3q21.1.
Variant type: single nucleotide variant.
Coding change: c.616C>T on transcript NM_053025.4 (MANE Select); coding-DNA position 616, C replaced by T.
Protein change: p.Arg206Cys; replaces arginine 206 with cysteine.
Molecular consequence: missense variant.
Genome position (GRCh38, 1-based): chr3:123,737,516, G>A on the plus strand (C>T on the coding strand, the complement: MYLK is on the minus strand). VCF-style: chr3-123737516-G-A. GRCh37 (hg19) VCF-style: chr3-123456363-G-A.
Other names: c.88C>T, p.Arg30Cys (NM_001321309.2); c.616C>T, p.Arg206Cys (NM_053026.4, NM_053027.4, NM_053028.4); short protein forms R206C, R30C.
Identifiers: ClinVar variation 1210975 (VCV001210975.10), dbSNP rs557873884, ClinGen allele CA073366.
Genomic context (GRCh38, chr3:123,737,516, plus strand): 5'-CTTGGTTGACTCCATGGATTTCCAGAACCTGCATGCCGTTCTTCTCAGACACAGACACAC[G>A]GGCACTCGGCTGCAGTGGAACATTTCCCTGTGGATGGCAATGGGGTAACTTGGTCATACA-3'
Protein context (NP_444253.3, residues 196-216): KGNVPLQPSA[Arg206Cys]VSVSEKNGMQ